The following is an entry in ClinVar:

ClinVar aggregate classification (germline): Likely benign. Review status: criteria provided, multiple submitters, no conflicts (2 of 4 stars). 3 submissions from 3 submitters: Likely benign (3). Last evaluated 2025-09-08.

Conditions:
Long QT syndrome (LQTS). Identifiers: MedGen C0023976, MeSH D008133, MONDO:0002442. Disease mechanism: loss of function. Inheritance: Various modes of inheritance.
Cardiac arrhythmia. Also called: Cardiac rhythm disease; Arrhythmia. Identifiers: MedGen C0003811, MONDO:0007263, HP:0011675.

Allele frequency attached by ClinVar (database versions not stated): TOPMed 0.00001.
gnomAD v4.1: 10 of 1,613,166 alleles (0.00062%); highest among the groups gnomAD compares: Non-Finnish European, 0.00085%; no homozygotes.

Submissions (3):

Labcorp Genetics (formerly Invitae), Labcorp
Classification: Likely benign for Long QT syndrome. Last evaluated: 2025-09-08. Review status: criteria provided, single submitter. Criteria: Invitae Variant Classification Sherloc (09022015). Collection method: clinical testing. Allele origin: germline.

Color Diagnostics, LLC DBA Color Health
Classification: Likely benign for Cardiac arrhythmia. Last evaluated: 2024-08-29. Review status: criteria provided, single submitter. Criteria: ACMG Guidelines, 2015. Collection method: clinical testing. Allele origin: germline.

All of Us Research Program, National Institutes of Health
Classification: Likely benign for Long QT syndrome. Last evaluated: 2023-08-08. Review status: criteria provided, single submitter. Criteria: ACMG Guidelines, 2015. Collection method: clinical testing. Allele origin: germline. Inheritance: Autosomal dominant inheritance. Observed: 2 variant alleles, 2 heterozygotes.
Comment: This study involves interpretation of variants in research participants for the purpose of population health screening. Participant phenotype was not available at the time of variant classification. Additional details can be found in publication PMID: 35346344, PMCID: PMC8962531

NM_000218.3(KCNQ1):c.1338C>A (p.Asp446Glu)

Gene: KCNQ1 (potassium voltage-gated channel subfamily Q member 1; plus strand). Cytogenetic location: 11p15.5.
Variant type: single nucleotide variant.
Coding change: c.1338C>A on transcript NM_000218.3 (MANE Select); coding-DNA position 1338, C replaced by A.
Protein change: p.Asp446Glu; replaces aspartic acid 446 with glutamic acid.
Molecular consequence: missense variant.
Genome position (GRCh38, 1-based): chr11:2,588,799, C>A. VCF-style: chr11-2588799-C-A. GRCh37 (hg19) VCF-style: chr11-2610029-C-A.
Other names: c.1242C>A, p.Asp414Glu (NM_001406836.1); c.1068C>A, p.Asp356Glu (NM_001406837.1); c.798C>A, p.Asp266Glu (NM_001406838.1); c.957C>A, p.Asp319Glu (NM_181798.2); short protein forms D319E, D446E, D356E, D414E, D266E.
Identifiers: ClinVar variation 926541 (VCV000926541.14), dbSNP rs199472780, ClinGen allele CA379135082.